The following is an entry in ClinVar:

ClinVar aggregate classification (germline): Uncertain significance (1 of 4 stars; one submission).

Conditions:
KBG syndrome (KBGS). Also called: ANKRD11-Related KBG Syndrome. Identifiers: Orphanet 2332, MedGen C0220687, MONDO:0007846, OMIM 148050.

Submission:

Victorian Clinical Genetics Services, Murdoch Childrens Research Institute
Classification: Uncertain significance for KBG syndrome. Last evaluated: 2022-02-02. Review status: criteria provided, single submitter. Criteria: ACMG Guidelines, 2015. Collection method: clinical testing. Allele origin: germline. Inheritance: Autosomal dominant inheritance.
Comment: Based on the classification scheme VCGS_Germline_v1.3.4, this variant is classified as VUS-3B. Following criteria are met: 0102 - Loss of function is a known mechanism of disease in this gene and is associated with KBG syndrome (MIM#148050). (I) 0107 - This gene is associated with autosomal dominant disease. (I) 0200 - Variant is predicted to result in a missense amino acid change from glutamic acid to lysine. (I) 0251 - This variant is heterozygous. (I) 0301 - Variant is absent from gnomAD (both v2 and v3). (SP) 0503 - Missense variant consistently predicted to be tolerated by multiple in silico tools or not conserved in placental mammals with a minor amino acid change. (SB) 0604 - Variant is not located in an established domain, motif, hotspot or informative constraint region. (I) 0705 - No comparable missense variants have previous evidence for pathogenicity. (I) 0807 - This variant has no previous evidence of pathogenicity. (I) 0905 - No published segregation evidence has been identified for this variant. (I) 1007 - No published functional evidence has been identified for this variant. (SP) Legend: (SP) - Supporting pathogenic, (I) - Information, (SB) - Supporting benign

NM_013275.6(ANKRD11):c.1468G>A (p.Glu490Lys)

Gene: ANKRD11 (ankyrin repeat domain 11; minus strand). Cytogenetic location: 16q24.3.
Variant type: single nucleotide variant.
Coding change: c.1468G>A on transcript NM_013275.6 (MANE Select); coding-DNA position 1468, G replaced by A.
Protein change: p.Glu490Lys; replaces glutamic acid 490 with lysine.
Molecular consequence: missense variant.
Genome position (GRCh38, 1-based): chr16:89,285,074, C>T on the plus strand (G>A on the coding strand, the complement: ANKRD11 is on the minus strand). VCF-style: chr16-89285074-C-T. GRCh37 (hg19) VCF-style: chr16-89351482-C-T.
Other names: c.1468G>A, p.Glu490Lys (NM_001256182.2, NM_001256183.2); short protein forms E490K.
Identifiers: ClinVar variation 1699433 (VCV001699433.3), dbSNP rs2151764245, ClinGen allele CA397164891.